The following is an entry in ClinVar:

NM_001080.3(ALDH5A1):c.136T>C (p.Cys46Arg)

Genes: ALDH5A1 (aldehyde dehydrogenase 5 family member A1; plus strand), GPLD1 (glycosylphosphatidylinositol specific phospholipase D1; minus strand), LOC129995978 (ATAC-STARR-seq lymphoblastoid silent region 16989; plus strand). Cytogenetic location: 6p22.3.
Variant type: single nucleotide variant.
Coding change: c.136T>C on transcript NM_001080.3 (MANE Select); coding-DNA position 136, T replaced by C.
Protein change: p.Cys46Arg; replaces cysteine 46 with arginine.
Molecular consequence: missense variant.
Genome position (GRCh38, 1-based): chr6:24,495,132, T>C. VCF-style: chr6-24495132-T-C. GRCh37 (hg19) VCF-style: chr6-24495360-T-C.
Other names: c.136T>C, p.Cys46Arg (NM_001368954.1, NM_170740.1); short protein forms C46R.
Identifiers: ClinVar variation 1351910 (VCV001351910.8), dbSNP rs2127378931, ClinGen allele CA362968296.

ClinVar aggregate classification (germline): Uncertain significance (1 of 4 stars; one submission).

Conditions:
Succinate-semialdehyde dehydrogenase deficiency (SSADHD). Also called: 4-HYDROXYBUTYRIC ACIDURIA; Succinic Semialdehyde Dehydrogenase Deficiency; SSADH DEFICIENCY; GABA METABOLIC DEFECT. Identifiers: Orphanet 22, MedGen C0268631, MONDO:0010083, OMIM 271980.

Submission:

Labcorp Genetics (formerly Invitae), Labcorp
Classification: Uncertain significance for Succinate-semialdehyde dehydrogenase deficiency. Last evaluated: 2021-05-06. Review status: criteria provided, single submitter. Criteria: Invitae Variant Classification Sherloc (09022015). Collection method: clinical testing. Allele origin: germline.
Comment: In summary, the available evidence is currently insufficient to determine the role of this variant in disease. Therefore, it has been classified as a Variant of Uncertain Significance. Advanced modeling of protein sequence and biophysical properties (such as structural, functional, and spatial information, amino acid conservation, physicochemical variation, residue mobility, and thermodynamic stability) performed at Invitae indicates that this missense variant is not expected to disrupt ALDH5A1 protein function. This variant has not been reported in the literature in individuals with ALDH5A1-related conditions. The frequency data for this variant in the population databases is considered unreliable, as metrics indicate insufficient coverage at this position in the ExAC database. This sequence change replaces cysteine with arginine at codon 46 of the ALDH5A1 protein (p.Cys46Arg). The cysteine residue is weakly conserved and there is a large physicochemical difference between cysteine and arginine.